The following is an entry in ClinVar:

ClinVar aggregate classification (germline): Pathogenic (1 of 4 stars; one submission).

Conditions:
X-linked agammaglobulinemia with growth hormone deficiency (IGHD3). Also called: FLEISHER SYNDROME; HYPOGAMMAGLOBULINEMIA AND ISOLATED GROWTH HORMONE DEFICIENCY, X-LINKED; IGHD III; AGAMMAGLOBULINEMIA AND ISOLATED GROWTH HORMONE DEFICIENCY, X-LINKED; Isolated growth hormone deficiency type 3; Growth hormone deficiency with hypogammaglobulinemia. Identifiers: Orphanet 231692, Orphanet 631, MedGen C0472813, MONDO:0010615, OMIM 307200.

Submission:

Labcorp Genetics (formerly Invitae), Labcorp
Classification: Pathogenic for X-linked agammaglobulinemia with growth hormone deficiency. Last evaluated: 2022-06-10. Review status: criteria provided, single submitter. Criteria: Invitae Variant Classification Sherloc (09022015). Collection method: clinical testing. Allele origin: germline.
Comment: For these reasons, this variant has been classified as Pathogenic. Studies have shown that disruption of this splice site is associated with altered splicing resulting in multiple RNA products (PMID: 9106525). Disruption of this splice site has been observed in individuals with agammaglobulinemia (PMID: 9106525, 16712653; Invitae). This variant is not present in population databases (gnomAD no frequency). This sequence change affects an acceptor splice site in intron 17 of the BTK gene. It is expected to disrupt RNA splicing. Variants that disrupt the donor or acceptor splice site typically lead to a loss of protein function (PMID: 16199547), and loss-of-function variants in BTK are known to be pathogenic (PMID: 15661032, 16862044, 19419768).

Literature cited by the submitters: PubMed 9106525; PubMed 16712653; PubMed 16199547; PubMed 15661032; PubMed 16862044; PubMed 19419768.

NM_000061.3(BTK):c.1751-2A>G

Gene: BTK (Bruton tyrosine kinase; minus strand). Cytogenetic location: Xq22.1.
Variant type: single nucleotide variant.
Coding change: c.1751-2A>G on transcript NM_000061.3 (MANE Select); the canonical splice acceptor site of the intron before coding-DNA position 1751, A replaced by G.
Molecular consequence: splice acceptor variant.
Genome position (GRCh38, 1-based): chrX:101,353,353, T>C on the plus strand (A>G on the coding strand, the complement: BTK is on the minus strand). VCF-style: chrX-101353353-T-C. GRCh37 (hg19) VCF-style: chrX-100608341-T-C.
Other names: c.1853-2A>G (NM_001287344.2); c.1223-2A>G (NM_001287345.2).
Identifiers: ClinVar variation 2138639 (VCV002138639.4), dbSNP rs2520529056, ClinGen allele CA413919668.